The following is an entry in ClinVar:

ClinVar aggregate classification (germline): Uncertain significance. Review status: criteria provided, multiple submitters, no conflicts (2 of 4 stars). 5 submissions from 5 submitters: Uncertain significance (5). Last evaluated 2026-07-09.

Conditions:
Cardiovascular phenotype. Identifiers: MedGen CN230736.
Brugada syndrome 8 (BRGDA8). Identifiers: Orphanet 130, MedGen C2751083, MONDO:0013148, OMIM 613123.

Allele frequency attached by ClinVar (database versions not stated): gnomAD exomes 0.00001; gnomAD 0.00003 and 0.00002; ExAC 0.00004; TOPMed 0.00002; 1000 Genomes Project 30x 0.00031.

Submissions (5):

GeneDx
Classification: Uncertain significance. Last evaluated: 2026-07-09. Review status: criteria provided, single submitter. Criteria: GeneDx Variant Classification Process June 2021. Collection method: clinical testing. Allele origin: germline.
Comment: Has not been previously published as pathogenic or benign to our knowledge; In silico analysis suggests that this missense variant does not alter protein structure/function; Not observed at significant frequency in large population cohorts (gnomAD)

Labcorp Genetics (formerly Invitae), Labcorp
Classification: Uncertain significance for Brugada syndrome 8. Last evaluated: 2025-12-21. Review status: criteria provided, single submitter. Criteria: Invitae Variant Classification Sherloc (09022015). Collection method: clinical testing. Allele origin: germline.
Comment: This sequence change replaces arginine, which is basic and polar, with cysteine, which is neutral and slightly polar, at codon 1078 of the HCN4 protein (p.Arg1078Cys). The frequency data for this variant in the population databases is considered unreliable, as metrics indicate poor data quality at this position in the gnomAD database. This variant has not been reported in the literature in individuals affected with HCN4-related conditions. ClinVar contains an entry for this variant (Variation ID: 638953). Invitae Evidence Modeling of protein sequence and biophysical properties (such as structural, functional, and spatial information, amino acid conservation, physicochemical variation, residue mobility, and thermodynamic stability) indicates that this missense variant is not expected to disrupt HCN4 protein function with a negative predictive value of 95%. In summary, the available evidence is currently insufficient to determine the role of this variant in disease. Therefore, it has been classified as a Variant of Uncertain Significance.

Molecular Diagnostic Laboratory for Inherited Cardiovascular Disease, Montreal Heart Institute
Classification: Uncertain significance for Cardiovascular phenotype. Last evaluated: 2025-07-24. Review status: criteria provided, single submitter. Criteria: ACMG Guidelines, 2015. Collection method: clinical testing. Allele origin: germline. Affected: yes.

Ambry Genetics
Classification: Uncertain significance for Cardiovascular phenotype. Last evaluated: 2025-06-23. Review status: criteria provided, single submitter. Criteria: Ambry Variant Classification Scheme 2023. Collection method: clinical testing. Allele origin: germline.

Laboratorio de Genetica e Diagnostico Molecular, Hospital Israelita Albert Einstein
Classification: Uncertain significance for Brugada syndrome 8. Last evaluated: 2022-11-30. Review status: criteria provided, single submitter. Criteria: ACMG Guidelines, 2015. Collection method: clinical testing. Allele origin: germline. Affected: yes.
Comment: ACMG classification criteria: PM2 supporting

NM_005477.3(HCN4):c.3232C>T (p.Arg1078Cys)

Gene: HCN4 (hyperpolarization activated cyclic nucleotide gated potassium channel 4; minus strand). Cytogenetic location: 15q24.1.
Variant type: single nucleotide variant.
Coding change: c.3232C>T on transcript NM_005477.3 (MANE Select); coding-DNA position 3232, C replaced by T.
Protein change: p.Arg1078Cys; replaces arginine 1078 with cysteine.
Molecular consequence: missense variant.
Genome position (GRCh38, 1-based): chr15:73,322,861, G>A on the plus strand (C>T on the coding strand, the complement: HCN4 is on the minus strand). VCF-style: chr15-73322861-G-A. GRCh37 (hg19) VCF-style: chr15-73615202-G-A.
Other names: short protein forms R1078C.
Identifiers: ClinVar variation 638953 (VCV000638953.11), dbSNP rs781376523, ClinGen allele CA7648860.